The following is an entry in ClinVar:

NM_017534.6(MYH2):c.5580G>A (p.Thr1860=)

Genes: MYHAS (myosin heavy chain gene cluster antisense RNA; plus strand), MYH2 (myosin heavy chain 2; minus strand). Cytogenetic location: 17p13.1.
Variant type: single nucleotide variant.
Coding change: c.5580G>A on transcript NM_017534.6 (MANE Select); coding-DNA position 5580, G replaced by A.
Protein change: p.Thr1860=; no amino-acid change (threonine 1860 retained).
Molecular consequence: synonymous variant.
Genome position (GRCh38, 1-based): chr17:10,523,183, C>T on the plus strand (G>A on the coding strand, the complement: MYH2 is on the minus strand). VCF-style: chr17-10523183-C-T. GRCh37 (hg19) VCF-style: chr17-10426500-C-T.
Other names: c.5580G>A, p.Thr1860= (NM_001100112.2).
Identifiers: ClinVar variation 499814 (VCV000499814.13), dbSNP rs761795343, ClinGen allele CA8390352.
Genomic context (GRCh38, chr17:10,523,183, plus strand): 5'-TTTTGCCTGAAGTTTATCTACCAAATCTTGAAGCCTGAGAATATTCTTTCTATCTTCTTC[C>T]GTCTGAAAGATTATAAAAAGTCCAGGACCTTAATTACTAAAGCACATGACTATTGCATCA-3'
Protein context (NP_060004.3, residues 1850-1870): ERRVKELTYQ[Thr1860=]EEDRKNILRL

ClinVar aggregate classification (germline): Conflicting classifications of pathogenicity. Review status: criteria provided, conflicting classifications (1 of 4 stars). 3 submissions from 3 submitters: Uncertain significance (2); Likely benign (1). Last evaluated 2024-12-03.

Conditions:
Myopathy, proximal, and ophthalmoplegia (CMYO6). Also called: CONGENITAL MYOPATHY 6 WITH OPHTHALMOPLEGIA; MYOPATHY WITH CONGENITAL JOINT CONTRACTURES, OPHTHALMOPLEGIA, AND RIMMED VACUOLES; INCLUSION BODY MYOPATHY 3, AUTOSOMAL DOMINANT. Identifiers: Orphanet 363677, Orphanet 79091, MedGen C1854106, MONDO:0011577, OMIM 605637.

Allele frequency attached by ClinVar (database versions not stated): ExAC 0.00002; gnomAD 0.00003 and 0.00004; gnomAD exomes 0.00003; TOPMed 0.00003.
gnomAD v4.1: 52 of 1,612,628 alleles (0.0032%); highest among the groups gnomAD compares: South Asian, 0.0077%; no homozygotes.

Submissions (3):

Labcorp Genetics (formerly Invitae), Labcorp
Classification: Likely benign for Myopathy, proximal, and ophthalmoplegia. Last evaluated: 2024-12-03. Review status: criteria provided, single submitter. Criteria: Invitae Variant Classification Sherloc (09022015). Collection method: clinical testing. Allele origin: germline.

GeneDx
Classification: Uncertain significance. Last evaluated: 2022-05-05. Review status: criteria provided, single submitter. Criteria: GeneDx Variant Classification Process June 2021. Collection method: clinical testing. Allele origin: germline. Affected: yes.
Comment: In silico analysis, which includes splice predictors and evolutionary conservation, suggests this variant may impact gene splicing. In the absence of RNA/functional studies, the actual effect of this sequence change is unknown.; Has not been previously published as pathogenic or benign to our knowledge

Eurofins Ntd Llc (ga)
Classification: Uncertain significance. Last evaluated: 2017-01-23. Review status: criteria provided, single submitter. Criteria: EGL Classification Definitions 2015. Collection method: clinical testing. Allele origin: germline. Observed: 1 variant allele, 1 heterozygote.